The following is an entry in ClinVar:

NM_017841.4(SDHAF2):c.39G>C (p.Met13Ile)

Gene: SDHAF2 (succinate dehydrogenase complex assembly factor 2; plus strand). Cytogenetic location: 11q12.2.
Variant type: single nucleotide variant.
Coding change: c.39G>C on transcript NM_017841.4 (MANE Select); coding-DNA position 39, G replaced by C.
Protein change: p.Met13Ile; replaces methionine 13 with isoleucine.
Molecular consequence: missense variant.
Genome position (GRCh38, 1-based): chr11:61,437,627, G>C. VCF-style: chr11-61437627-G-C. GRCh37 (hg19) VCF-style: chr11-61205099-G-C.
Other names: short protein forms M13I.
Identifiers: ClinVar variation 2678637 (VCV002678637.4), dbSNP rs2540123981, ClinGen allele CA380682728.
Genomic context (GRCh38, chr11:61,437,627, plus strand): 5'-AATGATAGCGATGATAGTCGTCATTATTGTAAAGATGTTTGTGGTTTGTTCATTTCAGAT[G>C]CTTGCTCTGTCAAGGCACAGCCTATTGTCTCCTTTGCTCAGTGTGACATCATTCAGACGC-3'
Protein context (NP_060311.1, residues 3-23): VSTVFSTSSL[Met13Ile]LALSRHSLLS

ClinVar aggregate classification (germline): Uncertain significance. Review status: criteria provided, multiple submitters, no conflicts (2 of 4 stars). 3 submissions from 3 submitters: Uncertain significance (3). Last evaluated 2024-11-26.

Conditions:
Hereditary cancer-predisposing syndrome. Also called: Hereditary neoplastic syndrome; Neoplastic Syndromes, Hereditary; Tumor predisposition; Hereditary Cancer Syndrome. Identifiers: Orphanet 140162, MedGen C0027672, MeSH D009386, MONDO:0015356.
Pheochromocytoma/paraganglioma syndrome 2. Also called: SDHAF2-Related Hereditary Paraganglioma-Pheochromocytoma Syndrome; GLOMUS TUMORS, FAMILIAL, 2; Paragangliomas 2; SDHAF2-Related Hereditary Paraganglioma-Pheochromocytoma Syndrome (Paragangliomas 2). Identifiers: Orphanet 29072, MedGen C1866552, MONDO:0011121, OMIM 601650.
Hereditary pheochromocytoma and paraganglioma. Also called: Hereditary Paraganglioma-Pheochromocytoma Syndromes; Hereditary pheochromocytoma-paraganglioma; Hereditary paragangliomas and pheochromocytomas. Identifiers: Orphanet 29072, MedGen C4274332, MONDO:0017366.

Submissions (3):

Labcorp Genetics (formerly Invitae), Labcorp
Classification: Uncertain significance for Hereditary pheochromocytoma and paraganglioma. Last evaluated: 2024-11-26. Review status: criteria provided, single submitter. Criteria: Invitae Variant Classification Sherloc (09022015). Collection method: clinical testing. Allele origin: germline.
Comment: This sequence change replaces methionine, which is neutral and non-polar, with isoleucine, which is neutral and non-polar, at codon 13 of the SDHAF2 protein (p.Met13Ile). This variant is not present in population databases (gnomAD no frequency). This variant has not been reported in the literature in individuals affected with SDHAF2-related conditions. ClinVar contains an entry for this variant (Variation ID: 2678637). An algorithm developed to predict the effect of missense changes on protein structure and function (PolyPhen-2) suggests that this variant is likely to be tolerated. In summary, the available evidence is currently insufficient to determine the role of this variant in disease. Therefore, it has been classified as a Variant of Uncertain Significance.

Ambry Genetics
Classification: Uncertain significance for Hereditary cancer-predisposing syndrome. Last evaluated: 2023-11-02. Review status: criteria provided, single submitter. Criteria: Ambry Variant Classification Scheme 2023. Collection method: clinical testing. Allele origin: germline.
Comment: The p.M13I variant (also known as c.39G>C), located in coding exon 2 of the SDHAF2 gene, results from a G to C substitution at nucleotide position 39. The methionine at codon 13 is replaced by isoleucine, an amino acid with highly similar properties. This amino acid position is conserved. In addition, this alteration is predicted to be tolerated by in silico analysis. Since supporting evidence is limited at this time, the clinical significance of this alteration remains unclear.

Baylor Genetics
Classification: Uncertain significance for Pheochromocytoma/paraganglioma syndrome 2. Last evaluated: 2023-06-01. Review status: criteria provided, single submitter. Criteria: ACMG Guidelines, 2015. Collection method: clinical testing. Allele origin: unknown.